The following is an entry in ClinVar:

NM_000642.3(AGL):c.3588+1G>A

Gene: AGL (amylo-alpha-1,6-glucosidase and 4-alpha-glucanotransferase; plus strand). Cytogenetic location: 1p21.2.
Variant type: single nucleotide variant.
Coding change: c.3588+1G>A on transcript NM_000642.3 (MANE Select); the canonical splice donor site of the intron after coding-DNA position 3588, G replaced by A.
Molecular consequence: splice donor variant.
Genome position (GRCh38, 1-based): chr1:99,900,862, G>A. VCF-style: chr1-99900862-G-A. GRCh37 (hg19) VCF-style: chr1-100366418-G-A.
Other names: c.3588+1G>A (NM_000643.3, NM_000644.3, NM_001425325.1 and 1 more transcripts); c.3540+1G>A (NM_000646.3); c.3567+1G>A (NM_001425326.1); c.3387+1G>A (NM_001425327.1); c.3384+1G>A (NM_001425328.1); c.3249+1G>A (NM_001425329.1); c.3210+1G>A (NM_001425332.1).
Identifiers: ClinVar variation 2733960 (VCV002733960.3), dbSNP rs1397237820, ClinGen allele CA341333069.
Genomic context (GRCh38, chr1:99,900,862, plus strand): 5'-TGCCCAGTTTCCAGAATGTATCCTACAGATGATTCTGCTCCTTTGCCTGCTGGCACACTG[G>A]TAAAGATATTTCTTAAAATGTTTTTTTGTTTTTTTTTTTTTTTCTGAAAAATGACTTTTA-3'

ClinVar aggregate classification (germline): Pathogenic (1 of 4 stars; one submission).

Conditions:
Glycogen storage disease type III (GSD3). Also called: Cori disease; FORBES DISEASE. Identifiers: Orphanet 366, MedGen C0017922, MONDO:0009291, OMIM 232400.

Allele frequency attached by ClinVar (database versions not stated): gnomAD 0.00001.
gnomAD v4.1: 2 of 1,586,310 alleles (0.00013%); highest among the groups gnomAD compares: Non-Finnish European, 0.00017%; no homozygotes.

Submission:

Labcorp Genetics (formerly Invitae), Labcorp
Classification: Pathogenic for Glycogen storage disease type III. Last evaluated: 2023-02-22. Review status: criteria provided, single submitter. Criteria: Invitae Variant Classification Sherloc (09022015). Collection method: clinical testing. Allele origin: germline.
Comment: This sequence change affects a donor splice site in intron 26 of the AGL gene. It is expected to disrupt RNA splicing. Variants that disrupt the donor or acceptor splice site typically lead to a loss of protein function (PMID: 16199547), and loss-of-function variants in AGL are known to be pathogenic (PMID: 19299494). This variant is present in population databases (no rsID available, gnomAD 0.01%). Disruption of this splice site has been observed in individual(s) with autosomal recessive glycogen storage disease type III (GSD III) (PMID: 26984562). In at least one individual the data is consistent with being in trans (on the opposite chromosome) from a pathogenic variant. Algorithms developed to predict the effect of sequence changes on RNA splicing suggest that this variant may disrupt the consensus splice site. For these reasons, this variant has been classified as Pathogenic.

Literature cited by the submitters: PubMed 16199547; PubMed 19299494; PubMed 26984562.